The following is an entry in ClinVar:

ClinVar aggregate classification (germline): Conflicting classifications of pathogenicity. Review status: criteria provided, conflicting classifications (1 of 4 stars). 4 submissions from 4 submitters: Uncertain significance (3); Likely benign (1). Last evaluated 2024-10-24.

Conditions:
Hereditary breast ovarian cancer syndrome. Also called: Hereditary breast and/or ovarian cancer syndrome; Hereditary breast and ovarian cancer syndrome; Hereditary breast and ovarian cancer; Hereditary breast and ovarian cancer syndrome (HBOC); Breast and ovarian cancer; BRCA1- and BRCA2-Associated Hereditary Breast and Ovarian Cancer. Identifiers: Orphanet 145, MedGen C0677776, MeSH D061325, MONDO:0003582. Disease mechanism: loss of function.
Hereditary cancer-predisposing syndrome. Also called: Hereditary neoplastic syndrome; Neoplastic Syndromes, Hereditary; Tumor predisposition; Hereditary Cancer Syndrome. Identifiers: Orphanet 140162, MedGen C0027672, MeSH D009386, MONDO:0015356.

Submissions (4):

GeneDx
Classification: Uncertain significance. Last evaluated: 2024-10-24. Review status: criteria provided, single submitter. Criteria: GeneDx Variant Classification Process June 2021. Collection method: clinical testing. Allele origin: germline. Affected: yes.
Comment: Not observed at significant frequency in large population cohorts (gnomAD); In silico analysis supports that this missense variant has a deleterious effect on protein structure/function; Has not been previously published as pathogenic or benign to our knowledge; Also known as 3793G>A

University of Washington Department of Laboratory Medicine, University of Washington
Classification: Likely benign for Hereditary cancer-predisposing syndrome. Last evaluated: 2023-03-23. Review status: criteria provided, single submitter. Criteria: Dines et al. (Genet Med. 2020). Collection method: curation. Allele origin: germline.
Comment: Missense variant in a coldspot region where missense variants are very unlikely to be pathogenic (PMID:31911673).

BRCA1 coldspot (exon 11 using historical exon numbering). Reclassification based on statistical prior probability

Ambry Genetics
Classification: Uncertain significance for Hereditary cancer-predisposing syndrome. Last evaluated: 2020-07-01. Review status: criteria provided, single submitter. Criteria: Ambry Variant Classification Scheme 2023. Collection method: clinical testing. Allele origin: germline.
Comment: The p.C1225Y variant (also known as c.3674G>A), located in coding exon 9 of the BRCA1 gene, results from a G to A substitution at nucleotide position 3674. The cysteine at codon 1225 is replaced by tyrosine, an amino acid with highly dissimilar properties. This amino acid position is not well conserved in available vertebrate species. In addition, the in silico prediction for this alteration is inconclusive. Since supporting evidence is limited at this time, the clinical significance of this alteration remains unclear.

Labcorp Genetics (formerly Invitae), Labcorp
Classification: Uncertain significance for Hereditary breast ovarian cancer syndrome. Last evaluated: 2019-09-28. Review status: criteria provided, single submitter. Criteria: Invitae Variant Classification Sherloc (09022015). Collection method: clinical testing. Allele origin: germline.
Comment: In summary, the available evidence is currently insufficient to determine the role of this variant in disease. Therefore, it has been classified as a Variant of Uncertain Significance. Algorithms developed to predict the effect of missense changes on protein structure and function are either unavailable or do not agree on the potential impact of this missense change (SIFT: "Tolerated"; PolyPhen-2: "Possibly Damaging"; Align-GVGD: "Class C0"). This variant has not been reported in the literature in individuals with BRCA1-related conditions. This variant is not present in population databases (ExAC no frequency). This sequence change replaces cysteine with tyrosine at codon 1225 of the BRCA1 protein (p.Cys1225Tyr). The cysteine residue is moderately conserved and there is a large physicochemical difference between cysteine and tyrosine.

NM_007294.4(BRCA1):c.3674G>A (p.Cys1225Tyr)

Genes: BRCA1 (BRCA1 DNA repair associated; minus strand), LOC126862571 (BRD4-independent group 4 enhancer GRCh37_chr17:41243136-41244335; plus strand). Cytogenetic location: 17q21.31.
Variant type: single nucleotide variant.
Coding change: c.3674G>A on transcript NM_007294.4 (MANE Select); coding-DNA position 3674, G replaced by A.
Protein change: p.Cys1225Tyr; replaces cysteine 1225 with tyrosine.
Molecular consequence: missense variant. On other transcripts: intron variant (135).
Genome position (GRCh38, 1-based): chr17:43,091,857, C>T on the plus strand (G>A on the coding strand, the complement: BRCA1 is on the minus strand). VCF-style: chr17-43091857-C-T. GRCh37 (hg19) VCF-style: chr17-41243874-C-T.
Other names: c.788-825G>A (NM_001407970.1, NM_001407980.1, NM_001407993.1 and 17 more transcripts); c.3461G>A, p.Cys1154Tyr (NM_001407571.1, NM_001407853.1, NM_001407894.1 and 9 more transcripts); c.3674G>A, p.Cys1225Tyr (NM_001407581.1, NM_001407582.1, NM_001407583.1 and 30 more transcripts); c.3671G>A, p.Cys1224Tyr (NM_001407587.1, NM_001407590.1, NM_001407591.1 and 22 more transcripts); c.3665G>A, p.Cys1222Tyr (NM_001407646.1, NM_001407647.1); c.3551G>A, p.Cys1184Tyr (NM_001407648.1, NM_001407664.1, NM_001407665.1 and 19 more transcripts); c.3548G>A, p.Cys1183Tyr (NM_001407649.1, NM_001407670.1, NM_001407671.1 and 11 more transcripts); c.3596G>A, p.Cys1199Tyr (NM_001407653.1, NM_001407654.1, NM_001407655.1 and 4 more transcripts); and 41 more; short protein forms C1178Y, C1225Y, C1113Y, C1154Y, C1157Y, C1183Y, C1184Y, C1222Y.
Identifiers: ClinVar variation 939559 (VCV000939559.16), dbSNP rs1567790638, ClinGen allele CA10594621.